The following is an entry in ClinVar:

ClinVar aggregate classification (germline): Uncertain significance (1 of 4 stars; one submission).

Submission:

Labcorp Genetics (formerly Invitae), Labcorp
Classification: Uncertain significance. Last evaluated: 2025-08-06. Review status: criteria provided, single submitter. Criteria: Invitae Variant Classification Sherloc (09022015). Collection method: clinical testing. Allele origin: germline.
Comment: This sequence change replaces proline, which is neutral and non-polar, with glycine, which is neutral and non-polar, at codon 730 of the BPTF protein (p.Pro730Gly). Information on the frequency of this variant in the gnomAD database is not available, as this variant may be reported differently in the database. This variant has not been reported in the literature in individuals affected with BPTF-related conditions. An algorithm developed to predict the effect of missense changes on protein structure and function (PolyPhen-2) suggests that this variant is likely to be tolerated. In summary, the available evidence is currently insufficient to determine the role of this variant in disease. Therefore, it has been classified as a Variant of Uncertain Significance.

NM_182641.4(BPTF):c.1865-5582_1865-5581inv

Gene: BPTF (bromodomain PHD finger transcription factor; plus strand). Cytogenetic location: 17q24.2.
Variant type: Inversion.
Coding change: c.1865-5582_1865-5581inv on transcript NM_182641.4 (MANE Select).
Molecular consequence: intron variant. On other transcripts: missense variant (4).
Genome position: GRCh38 VCF-style: chr17-67886262-CC-GG. GRCh37 (hg19) VCF-style: chr17-65882378-CC-GG.
Other names: c.2188_2189inv, p.Pro730Gly (NM_001439140.1, NM_001439142.1, NM_004459.7); c.1999_2000inv, p.Pro667Gly (NM_001439143.1); c.2054-5582_2054-5581inv (NM_001439141.1, NM_001439139.1, NM_001439144.1); short protein forms P730G, P667G.
Identifiers: ClinVar variation 4724931 (VCV004724931.1).